The following continues an entry in ClinVar:

NM_000059.4(BRCA2):c.6220C>A (p.His2074Asn)

Gene: BRCA2. ClinVar aggregate classification (germline): Benign. Benign (1).

Submissions 21 to 30 of 30:

GeneDx
Classification: Benign. Last evaluated: 2013-11-04. Review status: criteria provided, single submitter. Criteria: GeneDx Variant Classification (06012015). Collection method: clinical testing. Allele origin: germline. Affected: yes. Not counted in ClinVar's aggregate classification.
Comment: This variant is considered likely benign or benign based on one or more of the following criteria: it is a conservative change, it occurs at a poorly conserved position in the protein, it is predicted to be benign by multiple in silico algorithms, and/or has population frequency not consistent with disease.

Research Molecular Genetics Laboratory, Women's College Hospital, University of Toronto
Classification: Benign. Last evaluated: 2014-01-31. Review status: no assertion criteria provided. Collection method: research. Allele origin: germline. Affected: yes. Study: The Canadian Open Genetics Repository (COGR). Not counted in ClinVar's aggregate classification.

ITMI
No classification provided. Condition: AllHighlyPenetrant. Last evaluated: 2013-09-19. Review status: no classification provided. Collection method: reference population. Allele origin: germline. Not counted in ClinVar's aggregate classification.
Comment: Please see associated publication for description of ethnicities

Sharing Clinical Reports Project (SCRP)
Classification: Benign for Breast-ovarian cancer, familial 2. Last evaluated: 2011-04-20. Review status: no assertion criteria provided. Collection method: clinical testing. Allele origin: germline. Not counted in ClinVar's aggregate classification.

Breast Cancer Information Core (BIC) (BRCA2)
Classification: Uncertain significance for Breast-ovarian cancer, familial 2. Last evaluated: 2002-05-29. Review status: no assertion criteria provided. Collection method: clinical testing. Allele origin: germline. Affected: yes. Observed: 39 variant alleles. Not counted in ClinVar's aggregate classification.

Clinical Genetics Laboratory, Department of Pathology, Netherlands Cancer Institute
Classification: Benign. Review status: no assertion criteria provided. Collection method: clinical testing. Allele origin: germline. Affected: yes. Study: VKGL Data-share Consensus. Not counted in ClinVar's aggregate classification.

Department of Pathology and Laboratory Medicine, Sinai Health System
Classification: Benign for Malignant tumor of breast. Review status: no assertion criteria provided. Collection method: clinical testing. Allele origin: unknown. Affected: yes. Study: The Canadian Open Genetics Repository (COGR). Not counted in ClinVar's aggregate classification.
Comment: The p.His2074Asn variant has been identified in one out of 190 control chromosomes (frequency 0.005), and also listed 39X in the BI(C database as a variant of unknown clinical significance (Wagner 1999). It is also listed in dbSNP database coming from a â€šÃ„Ãºclinical channelâ€šÃ„Ã¹ (ID#: rs34309943) with a â€šÃ„Ãºglobal minor allele frequency of 0.001 (1000 genomes), therefore increasing the likelihood that this variant is benign. In the Exome Variant Server, this variant was also found in 45 times out of 12955 chromosomes (0 out of 8594 European, and 45 out of 4361 African alleles) further suggesting that the variant is benign. The p.His2074 residue is not conserved in mammals or in other species, and the computational analyses (PolyPhen, SIFT, AlignGVGD) do not suggest a high likelihood of impact to the protein. In summary, based on above information this variant is classified as Benign.

Foulkes Cancer Genetics LDI, Lady Davis Institute for Medical Research
Classification: Benign for Breast and/or ovarian cancer. Review status: no assertion criteria provided. Collection method: clinical testing. Allele origin: germline. Study: The Canadian Open Genetics Repository (COGR). Not counted in ClinVar's aggregate classification.

Joint Genome Diagnostic Labs from Nijmegen and Maastricht, Radboudumc and MUMC+
Classification: Benign. Review status: no assertion criteria provided. Collection method: clinical testing. Allele origin: germline. Affected: yes. Study: VKGL Data-share Consensus. Not counted in ClinVar's aggregate classification.

Laboratory of Diagnostic Genome Analysis, Leiden University Medical Center (LUMC)
Classification: Benign. Review status: no assertion criteria provided. Collection method: clinical testing. Allele origin: germline. Affected: yes. Study: VKGL Data-share Consensus. Not counted in ClinVar's aggregate classification.

Literature cited by the submitters: PubMed 21990134 (cited by Evidence-based Network for the Interpretation of Germline Mutant Alleles (ENIGMA) and Women's Health and Genetics/Laboratory Corporation of America, LabCorp); DOI 10.3389/fgene.2022.834265 (cited by National Health Laboratory Service, Universitas Academic Hospital and University of the Free State); PubMed 36329109 (cited by Genetics Program, Instituto Nacional de Cancer); PubMed 17924331 (cited by Women's Health and Genetics/Laboratory Corporation of America, LabCorp); PubMed 18284688 (cited by Women's Health and Genetics/Laboratory Corporation of America, LabCorp); PubMed 12491487 (cited by Women's Health and Genetics/Laboratory Corporation of America, LabCorp); PubMed 22034289 (cited by Women's Health and Genetics/Laboratory Corporation of America, LabCorp); PubMed 11030417 (cited by Women's Health and Genetics/Laboratory Corporation of America, LabCorp); PubMed 24728327 (cited by Women's Health and Genetics/Laboratory Corporation of America, LabCorp and ITMI).